The following is an entry in ClinVar:

ClinVar aggregate classification (germline): Uncertain significance (1 of 4 stars; one submission).

Conditions:
Inborn genetic diseases. Identifiers: MedGen C0950123, MeSH D030342.

Submission:

Ambry Genetics
Classification: Uncertain significance for Inborn genetic diseases. Last evaluated: 2024-06-26. Review status: criteria provided, single submitter. Criteria: Ambry Variant Classification Scheme 2023. Collection method: clinical testing. Allele origin: germline.
Comment: The p.P1173A variant (also known as c.3517C>G), located in coding exon 26 of the LRRK2 gene, results from a C to G substitution at nucleotide position 3517. The proline at codon 1173 is replaced by alanine, an amino acid with highly similar properties. This amino acid position is conserved. In addition, this alteration is predicted to be tolerated by in silico analysis. Based on the available evidence, the clinical significance of this variant remains unclear.

NM_198578.4(LRRK2):c.3517C>G (p.Pro1173Ala)

Gene: LRRK2 (leucine rich repeat kinase 2; plus strand). Cytogenetic location: 12q12.
Variant type: single nucleotide variant.
Coding change: c.3517C>G on transcript NM_198578.4 (MANE Select); coding-DNA position 3517, C replaced by G.
Protein change: p.Pro1173Ala; replaces proline 1173 with alanine.
Molecular consequence: missense variant.
Genome position (GRCh38, 1-based): chr12:40,302,809, C>G. VCF-style: chr12-40302809-C-G. GRCh37 (hg19) VCF-style: chr12-40696611-C-G.
Other names: short protein forms P1173A.
Identifiers: ClinVar variation 3540554 (VCV003540554.1).